The following is an entry in ClinVar:

ClinVar aggregate classification (germline): Uncertain significance. Review status: criteria provided, multiple submitters, no conflicts (2 of 4 stars). 2 submissions from 2 submitters: Uncertain significance (2). Last evaluated 2025-08-04.

Conditions:
Inborn genetic diseases. Identifiers: MedGen C0950123, MeSH D030342.

Allele frequency attached by ClinVar (database versions not stated): ExAC 0.00001; gnomAD exomes 0.00001.

Submissions (2):

Labcorp Genetics (formerly Invitae), Labcorp
Classification: Uncertain significance. Last evaluated: 2025-08-04. Review status: criteria provided, single submitter. Criteria: Invitae Variant Classification Sherloc (09022015). Collection method: clinical testing. Allele origin: germline.
Comment: This sequence change replaces valine, which is neutral and non-polar, with alanine, which is neutral and non-polar, at codon 1932 of the DCHS1 protein (p.Val1932Ala). This variant is present in population databases (rs753286700, gnomAD 0.002%). This variant has not been reported in the literature in individuals affected with DCHS1-related conditions. ClinVar contains an entry for this variant (Variation ID: 2184404). Invitae Evidence Modeling of protein sequence and biophysical properties (such as structural, functional, and spatial information, amino acid conservation, physicochemical variation, residue mobility, and thermodynamic stability) indicates that this missense variant is not expected to disrupt DCHS1 protein function with a negative predictive value of 80%. In summary, the available evidence is currently insufficient to determine the role of this variant in disease. Therefore, it has been classified as a Variant of Uncertain Significance.

Ambry Genetics
Classification: Uncertain significance for Inborn genetic diseases. Last evaluated: 2025-04-24. Review status: criteria provided, single submitter. Criteria: Ambry Variant Classification Scheme 2023. Collection method: clinical testing. Allele origin: germline.

NM_003737.4(DCHS1):c.5795T>C (p.Val1932Ala)

Gene: DCHS1 (dachsous cadherin-related 1; minus strand). Cytogenetic location: 11p15.4.
Variant type: single nucleotide variant.
Coding change: c.5795T>C on transcript NM_003737.4 (MANE Select); coding-DNA position 5795, T replaced by C.
Protein change: p.Val1932Ala; replaces valine 1932 with alanine.
Molecular consequence: missense variant.
Genome position (GRCh38, 1-based): chr11:6,627,244, A>G on the plus strand (T>C on the coding strand, the complement: DCHS1 is on the minus strand). VCF-style: chr11-6627244-A-G. GRCh37 (hg19) VCF-style: chr11-6648475-A-G.
Other names: c.5795T>C (NM_003737.2); short protein forms V1932A.
Identifiers: ClinVar variation 2184404 (VCV002184404.5), dbSNP rs753286700, ClinGen allele CA5860025.